The following is an entry in ClinVar:

ClinVar aggregate classification (germline): Pathogenic/Likely pathogenic. Review status: criteria provided, multiple submitters, no conflicts (2 of 4 stars). 3 submissions from 3 submitters: Pathogenic (2); Likely pathogenic (1). Last evaluated 2025-12-26.

Conditions:
CCDC39-related disorder. Also called: CCDC39-related condition.
Primary ciliary dyskinesia. Also called: Ciliary dyskinesia. Identifiers: Orphanet 244, MedGen C0008780, MONDO:0016575, HP:0012265.
Primary ciliary dyskinesia 14. Also called: CILIARY DYSKINESIA, PRIMARY, 14, WITH OR WITHOUT SITUS INVERSUS. Identifiers: Orphanet 244, MedGen C3151136, MONDO:0013434, OMIM 613807.

Submissions (3):

Labcorp Genetics (formerly Invitae), Labcorp
Classification: Pathogenic for Primary ciliary dyskinesia. Last evaluated: 2025-12-26. Review status: criteria provided, single submitter. Criteria: Invitae Variant Classification Sherloc (09022015). Collection method: clinical testing. Allele origin: germline.
Comment: This sequence change creates a premature translational stop signal (p.Gln833Valfs*6) in the CCDC39 gene. It is expected to result in an absent or disrupted protein product. Loss-of-function variants in CCDC39 are known to be pathogenic (PMID: 21131972, 23255504). This variant is present in population databases (no rsID available, gnomAD 0.01%). This premature translational stop signal has been observed in individual(s) with primary ciliary dyskinesia (PMID: 23891469). ClinVar contains an entry for this variant (Variation ID: 455019). For these reasons, this variant has been classified as Pathogenic.

Genomic Medicine Center of Excellence, King Faisal Specialist Hospital and Research Centre
Classification: Pathogenic for Primary ciliary dyskinesia 14. Last evaluated: 2024-03-29. Review status: criteria provided, single submitter. Criteria: ACMG Guidelines, 2015. Collection method: clinical testing. Allele origin: germline.

Blueprint Genetics
Classification: Likely pathogenic for CCDC39-related disorders. Last evaluated: 2022-04-27. Review status: criteria provided, single submitter. Criteria: ACMG Guidelines, 2015. Collection method: clinical testing. Allele origin: germline. Affected: yes. Observed: 2 variant alleles.

Literature cited by the submitters: PubMed 21131972 (cited by Labcorp Genetics (formerly Invitae), Labcorp); PubMed 23255504 (cited by Labcorp Genetics (formerly Invitae), Labcorp); PubMed 23891469 (cited by Labcorp Genetics (formerly Invitae), Labcorp).

NM_181426.2(CCDC39):c.2497_2498del (p.Gln833fs)

Genes: CCDC39 (coiled-coil domain 39 molecular ruler complex subunit; minus strand), TTC14 (tetratricopeptide repeat domain 14; plus strand). Cytogenetic location: 3q26.33.
Variant type: Deletion.
Coding change: c.2497_2498del on transcript NM_181426.2 (MANE Select); coding-DNA positions 2497 to 2498, 2 bases deleted (CA; older notation c.2497_2498delCA).
Protein change: p.Gln833fs; shifts the reading frame from glutamine 833.
Molecular consequence: frameshift variant. On other transcripts: intron variant (1).
Genome position (GRCh38, 1-based): chr3:180,616,604-180,616,605, TG deleted on the plus strand (CA on the coding strand, the reverse complement: CCDC39 is on the minus strand); deleting any 2 consecutive bases within chr3:180,616,604-180,616,606 gives the same sequence; the c. name uses the placement nearest the transcript's 3' end. VCF-style (leftmost placement, unchanged base first): chr3-180616603-CTG-C. GRCh37 (hg19) VCF-style: chr3-180334391-CTG-C.
Other names: c.1775-775_1775-774del (NM_001288582.2); c.2497_2498del (NM_181426.1); short protein forms Q833fs.
Identifiers: ClinVar variation 455019 (VCV000455019.13), dbSNP rs1007345781, ClinGen allele CA88626360.